The following is an entry in ClinVar:

NM_001367805.3(KIF23):c.40G>T (p.Val14Leu)

Gene: KIF23 (kinesin family member 23; plus strand). Cytogenetic location: 15q23.
Variant type: single nucleotide variant.
Coding change: c.40G>T on transcript NM_001367805.3 (MANE Select); coding-DNA position 40, G replaced by T.
Protein change: p.Val14Leu; replaces valine 14 with leucine.
Molecular consequence: missense variant. On other transcripts: 5 prime UTR variant (1), non-coding transcript variant (2).
Genome position (GRCh38, 1-based): chr15:69,416,022, G>T. VCF-style: chr15-69416022-G-T. GRCh37 (hg19) VCF-style: chr15-69708361-G-T.
Other names: c.-154G>T (NM_001281301.2); c.40G>T, p.Val14Leu (NM_001367804.2, NM_004856.7, NM_138555.4); short protein forms V14L.
Identifiers: ClinVar variation 3616385 (VCV003616385.2).

ClinVar aggregate classification (germline): Uncertain significance (1 of 4 stars; one submission).

gnomAD v4.1: 8 of 1,578,056 alleles (0.00051%); highest among the groups gnomAD compares: South Asian, 0.0096%; no homozygotes.

Submission:

Labcorp Genetics (formerly Invitae), Labcorp
Classification: Uncertain significance. Last evaluated: 2024-11-19. Review status: criteria provided, single submitter. Criteria: Invitae Variant Classification Sherloc (09022015). Collection method: clinical testing. Allele origin: germline.
Comment: This sequence change replaces valine, which is neutral and non-polar, with leucine, which is neutral and non-polar, at codon 14 of the KIF23 protein (p.Val14Leu). The frequency data for this variant in the population databases is considered unreliable, as metrics indicate poor data quality at this position in the gnomAD database. This variant has not been reported in the literature in individuals affected with KIF23-related conditions. An algorithm developed to predict the effect of missense changes on protein structure and function outputs the following: PolyPhen-2: "Benign". The leucine amino acid residue is found in multiple mammalian species, which suggests that this missense change does not adversely affect protein function. Algorithms developed to predict the effect of sequence changes on RNA splicing suggest that this variant may disrupt the consensus splice site. In summary, the available evidence is currently insufficient to determine the role of this variant in disease. Therefore, it has been classified as a Variant of Uncertain Significance.